The following is an entry in ClinVar:

NM_000218.3(KCNQ1):c.1514+10147A>G

Genes: KCNQ1 (potassium voltage-gated channel subfamily Q member 1; plus strand), KCNQ1OT1 (KCNQ1 opposite strand/antisense transcript 1; minus strand). Cytogenetic location: 11p15.5.
Variant type: single nucleotide variant.
Coding change: c.1514+10147A>G on transcript NM_000218.3 (MANE Select); 10147 bases into the intron after coding-DNA position 1514, A replaced by G.
Molecular consequence: intron variant. On other transcripts: non-coding transcript variant (1).
Genome position (GRCh38, 1-based): chr11:2,672,228, A>G. VCF-style: chr11-2672228-A-G. GRCh37 (hg19) VCF-style: chr11-2693458-A-G.
Other names: c.1244+10147A>G (NM_001406837.1); c.1418+10147A>G (NM_001406836.1); c.974+10147A>G (NM_001406838.1); c.1133+10147A>G (NM_181798.2).
Identifiers: ClinVar variation 3067528 (VCV003067528.21), dbSNP rs907023459, ClinGen allele CA216178566.

ClinVar aggregate classification (germline): Likely benign (1 of 4 stars; one submission).

Allele frequency attached by ClinVar (database versions not stated): gnomAD 0.00009; TOPMed 0.00011; gnomAD exomes 0.00017.
gnomAD v4.1: 57 of 398,476 alleles (0.014%); highest among the groups gnomAD compares: Admixed American, 0.018%; no homozygotes.

Submission:

CeGaT Center for Human Genetics Tuebingen
Classification: Likely benign. Last evaluated: 2025-08-01. Review status: criteria provided, single submitter. Criteria: CeGaT Center For Human Genetics Tuebingen Variant Classification Criteria Version 2. Collection method: clinical testing. Allele origin: germline. Affected: yes. Observed: 3 variant alleles.
Comment: KCNQ1OT1: BS2